The following is an entry in ClinVar:

ClinVar aggregate classification (germline): Uncertain significance (1 of 4 stars; one submission).

Conditions:
Inborn genetic diseases. Identifiers: MedGen C0950123, MeSH D030342.

gnomAD v4.1: 2 of 1,610,296 alleles (0.00012%); highest among the groups gnomAD compares: Non-Finnish European, 0.000085%; no homozygotes.

Submission:

Ambry Genetics
Classification: Uncertain significance for Inborn genetic diseases. Last evaluated: 2025-08-01. Review status: criteria provided, single submitter. Criteria: Ambry Variant Classification Scheme 2023. Collection method: clinical testing. Allele origin: germline.
Comment: The p.G1222R variant (also known as c.3664G>C), located in coding exon 33 of the RTEL1 gene, results from a G to C substitution at nucleotide position 3664. The glycine at codon 1222 is replaced by arginine, an amino acid with dissimilar properties. This amino acid position is conserved. In addition, this alteration is predicted to be tolerated by in silico analysis. Based on the available evidence, the clinical significance of this variant remains unclear.

NM_001283009.2(RTEL1):c.3664G>C (p.Gly1222Arg)

Genes: RTEL1 (regulator of telomere elongation helicase 1; plus strand), RTEL1-TNFRSF6B (RTEL1-TNFRSF6B readthrough (NMD candidate); plus strand). Cytogenetic location: 20q13.33.
Variant type: single nucleotide variant.
Coding change: c.3664G>C on transcript NM_001283009.2 (MANE Select); coding-DNA position 3664, G replaced by C.
Protein change: p.Gly1222Arg; replaces glycine 1222 with arginine.
Molecular consequence: missense variant. On other transcripts: non-coding transcript variant (1), intron variant (3).
Genome position (GRCh38, 1-based): chr20:63,695,492, G>C. VCF-style: chr20-63695492-G-C. GRCh37 (hg19) VCF-style: chr20-62326845-G-C.
Other names: c.2983+12G>C (NM_001283010.1); c.3724+12G>C (NM_032957.5); c.3652+12G>C (NM_016434.4); short protein forms G1222R.
Identifiers: ClinVar variation 4157632 (VCV004157632.1).